The following is an entry in ClinVar:

ClinVar aggregate classification (germline): Uncertain significance (1 of 4 stars; one submission).

Conditions:
Inborn genetic diseases. Identifiers: MedGen C0950123, MeSH D030342.

gnomAD v4.1: 2 of 1,613,490 alleles (0.00012%); highest among the groups gnomAD compares: African/African-American, 0.0027%; no homozygotes.

Submission:

Ambry Genetics
Classification: Uncertain significance for Inborn genetic diseases. Last evaluated: 2026-05-10. Review status: criteria provided, single submitter. Criteria: Ambry Variant Classification Scheme 2023. Collection method: clinical testing. Allele origin: germline.
Comment: The c.2579C>T (p.T860I) alteration is located in exon 21 (coding exon 21) of the ERBB4 gene. This alteration results from a C to T substitution at nucleotide position 2579, causing the threonine (T) at amino acid position 860 to be replaced by an isoleucine (I). Based on data from gnomAD, the T allele has an overall frequency of <0.001% (1/251424) total alleles studied. The highest observed frequency was 0.006% (1/16256) of African alleles. Based on insufficient or conflicting evidence, the clinical significance of this alteration remains unclear.

NM_005235.3(ERBB4):c.2579C>T (p.Thr860Ile)

Gene: ERBB4 (erb-b2 receptor tyrosine kinase 4; minus strand). Cytogenetic location: 2q34.
Variant type: single nucleotide variant.
Coding change: c.2579C>T on transcript NM_005235.3 (MANE Select); coding-DNA position 2579, C replaced by T.
Protein change: p.Thr860Ile; replaces threonine 860 with isoleucine.
Molecular consequence: missense variant.
Genome position (GRCh38, 1-based): chr2:211,431,009, G>A on the plus strand (C>T on the coding strand, the complement: ERBB4 is on the minus strand). VCF-style: chr2-211431009-G-A. GRCh37 (hg19) VCF-style: chr2-212295734-G-A.
Other names: c.2579C>T, p.Thr860Ile (NM_001042599.2); c.2549C>T, p.Thr850Ile (NM_001439005.1, NM_001439006.1); short protein forms T850I, T860I.
Identifiers: ClinVar variation 4870558 (VCV004870558.1).
Genomic context (GRCh38, chr2:211,431,009, plus strand): 5'-CCTCCATCAGCATTGTACTCTTTTTCATCTCCTTCCAAGAGTCTGGCTAGCCCAAAATCT[G>A]TGATTTTCACATGGTTTGGAGATTTCACTAAGACATTACGGGCTGCCAAATCCCGATGAA-3'
Protein context (NP_005226.1, residues 850-870): LVKSPNHVKI[Thr860Ile]DFGLARLLEG